The following is an entry in ClinVar:

NM_015374.3(SUN2):c.449G>C (p.Ser150Thr)

Gene: SUN2 (Sad1 and UNC84 domain containing 2; minus strand). Cytogenetic location: 22q13.1.
Variant type: single nucleotide variant.
Coding change: c.449G>C on transcript NM_015374.3 (MANE Select); coding-DNA position 449, G replaced by C.
Protein change: p.Ser150Thr; replaces serine 150 with threonine.
Molecular consequence: missense variant. On other transcripts: intron variant (1).
Genome position (GRCh38, 1-based): chr22:38,750,296, C>G on the plus strand (G>C on the coding strand, the complement: SUN2 is on the minus strand). VCF-style: chr22-38750296-C-G. GRCh37 (hg19) VCF-style: chr22-39146301-C-G.
Other names: c.449G>C, p.Ser150Thr (NM_001199580.2, NM_001394427.1, NM_001394431.1 and 9 more transcripts); c.512G>C, p.Ser171Thr (NM_001394428.1, NM_001199579.2); c.494G>C, p.Ser165Thr (NM_001394429.1, NM_001394430.1); c.123-1513G>C (NM_001394443.1); c.449G>C (NM_015374.2); c.359G>C, p.Ser120Thr (NM_001394438.1); c.311G>C, p.Ser104Thr (NM_001394439.1, NM_001394440.1, NM_001394441.1); short protein forms S171T, S120T, S150T, S104T, S165T.
Identifiers: ClinVar variation 2829253 (VCV002829253.4), dbSNP rs144325401, ClinGen allele CA10235929.

ClinVar aggregate classification (germline): Uncertain significance. Review status: criteria provided, multiple submitters, no conflicts (2 of 4 stars). 2 submissions from 2 submitters: Uncertain significance (2). Last evaluated 2025-07-27.

Conditions:
Emery-Dreifuss muscular dystrophy (EDMD). Also called: Scapuloperoneal syndrome, X-linked (formerly); Humeroperoneal neuromuscular disease, (formerly). Identifiers: Orphanet 261, MedGen C0410189, MONDO:0016830.

Allele frequency attached by ClinVar (database versions not stated): ExAC 0.00004; gnomAD 0.00006; TOPMed 0.00007; gnomAD exomes 0.00011; ESP Exome Variant Server 0.00015.

Submissions (2):

Labcorp Genetics (formerly Invitae), Labcorp
Classification: Uncertain significance for Emery-Dreifuss muscular dystrophy. Last evaluated: 2025-07-27. Review status: criteria provided, single submitter. Criteria: Invitae Variant Classification Sherloc (09022015). Collection method: clinical testing. Allele origin: germline.
Comment: This sequence change replaces serine, which is neutral and polar, with threonine, which is neutral and polar, at codon 150 of the SUN2 protein (p.Ser150Thr). This variant is present in population databases (rs144325401, gnomAD 0.008%). This variant has not been reported in the literature in individuals affected with SUN2-related conditions. ClinVar contains an entry for this variant (Variation ID: 2829253). An algorithm developed to predict the effect of missense changes on protein structure and function (PolyPhen-2) suggests that this variant is likely to be tolerated. In summary, the available evidence is currently insufficient to determine the role of this variant in disease. Therefore, it has been classified as a Variant of Uncertain Significance.

Ambry Genetics
Classification: Uncertain significance. Last evaluated: 2025-03-08. Review status: criteria provided, single submitter. Criteria: Ambry Variant Classification Scheme 2023. Collection method: clinical testing. Allele origin: germline.